The following is an entry in ClinVar:

ClinVar aggregate classification (germline): Pathogenic (1 of 4 stars; one submission).

Conditions:
Charlevoix-Saguenay spastic ataxia (SACS). Also called: AUTOSOMAL RECESSIVE SPASTIC ATAXIA OF CHARLEVOIX-SAGUENAY; Spastic ataxia of Charlevoix-Saguenay; SPASTIC ATAXIA 6, AUTOSOMAL RECESSIVE. Identifiers: Orphanet 98, MedGen C1849140, MONDO:0010041, OMIM 270550.

Submission:

Myriad Genetics, Inc.
Classification: Pathogenic for Charlevoix-Saguenay spastic ataxia. Last evaluated: 2025-09-07. Review status: criteria provided, single submitter. Criteria: Myriad Autosomal Dominant, Autosomal Recessive and X-Linked Classification Criteria (2023). Collection method: clinical testing. Allele origin: unknown.
Comment: NM_014363.4(SACS):c.821delC(P274Lfs*37) is expected to be pathogenic in the context of autosomal recessive spastic ataxia of Charlevoix-Saguenay. This variant is predicted to lead to an abnormal or absent protein product due to the creation of a premature termination codon in SACS, a gene where loss-of-function variants are known to be pathogenic. Please note: this variant was assessed in the context of healthy population screening.

NM_014363.6(SACS):c.821del (p.Pro274fs)

Gene: SACS (sacsin molecular chaperone; minus strand). Cytogenetic location: 13q12.12.
Variant type: Deletion.
Coding change: c.821del on transcript NM_014363.6 (MANE Select); coding-DNA position 821, one base deleted (C; older notation c.821delC).
Protein change: p.Pro274fs; shifts the reading frame from proline 274.
Molecular consequence: frameshift variant.
Genome position (GRCh38, 1-based): chr13:23,355,791, G deleted on the plus strand (C on the coding strand, the reverse complement: SACS is on the minus strand); the first of 3 consecutive G bases (chr13:23,355,791-23,355,793); deleting any one gives the same sequence. VCF-style (leftmost placement, unchanged base first): chr13-23355790-AG-A. GRCh37 (hg19) VCF-style: chr13-23929929-AG-A.
Other names: c.380del, p.Pro127fs (NM_001278055.2); c.821del, p.Pro274fs (NM_001437336.1); short protein forms P127fs, P274fs.
Identifiers: ClinVar variation 5014946 (VCV005014946.1).